The following is an entry in ClinVar:

ClinVar aggregate classification (germline): Uncertain significance. Review status: criteria provided, multiple submitters, no conflicts (2 of 4 stars). 2 submissions from 2 submitters: Uncertain significance (2). Last evaluated 2024-02-13.

Conditions:
Neuropathy, hereditary sensory and autonomic, type 2A (HSAN2A). Also called: ACROOSTEOLYSIS, GIACCAI TYPE; ACROOSTEOLYSIS, NEUROGENIC; MORVAN DISEASE; NEUROPATHY, CONGENITAL SENSORY; NEUROPATHY, HEREDITARY SENSORY RADICULAR, AUTOSOMAL RECESSIVE; NEUROPATHY, HEREDITARY SENSORY, TYPE IIA. Identifiers: Orphanet 970, MedGen C2752089, MONDO:0024309, OMIM 201300.
Pseudohypoaldosteronism type 2C (PHA2C). Also called: Pseudohypoaldosteronism Type IIC. Identifiers: Orphanet 757, Orphanet 88940, MedGen C1840391, MONDO:0013778, OMIM 614492.

Allele frequency attached by ClinVar (database versions not stated): gnomAD 0.00001 and 0.00002; gnomAD exomes 0.00001.

Submissions (2):

Fulgent Genetics
Classification: Uncertain significance for Neuropathy, hereditary sensory and autonomic, type 2A; Pseudohypoaldosteronism type 2C. Last evaluated: 2024-02-13. Review status: criteria provided, single submitter. Criteria: ACMG Guidelines, 2015. Collection method: clinical testing. Allele origin: germline.

Labcorp Genetics (formerly Invitae), Labcorp
Classification: Uncertain significance for Neuropathy, hereditary sensory and autonomic, type 2A; Pseudohypoaldosteronism type 2C. Last evaluated: 2021-02-21. Review status: criteria provided, single submitter. Criteria: Invitae Variant Classification Sherloc (09022015). Collection method: clinical testing. Allele origin: germline.
Comment: In summary, the available evidence is currently insufficient to determine the role of this variant in disease. Therefore, it has been classified as a Variant of Uncertain Significance. Advanced modeling of protein sequence and biophysical properties (such as structural, functional, and spatial information, amino acid conservation, physicochemical variation, residue mobility, and thermodynamic stability) performed at Invitae indicates that this missense variant is not expected to disrupt WNK1 protein function. This variant has not been reported in the literature in individuals with WNK1-related conditions. This variant is not present in population databases (ExAC no frequency). This sequence change replaces threonine with isoleucine at codon 1841 of the WNK1 protein (p.Thr1841Ile). The threonine residue is moderately conserved and there is a moderate physicochemical difference between threonine and isoleucine.

NM_018979.4(WNK1):c.4766C>T (p.Thr1589Ile)

Gene: WNK1 (WNK lysine deficient protein kinase 1; plus strand). Cytogenetic location: 12p13.33.
Variant type: single nucleotide variant.
Coding change: c.4766C>T on transcript NM_018979.4 (MANE Select); coding-DNA position 4766, C replaced by T.
Protein change: p.Thr1589Ile; replaces threonine 1589 with isoleucine.
Molecular consequence: missense variant.
Genome position (GRCh38, 1-based): chr12:885,570, C>T. VCF-style: chr12-885570-C-T. GRCh37 (hg19) VCF-style: chr12-994736-C-T.
Other names: c.5546C>T, p.Thr1849Ile (NM_001184985.2); c.4025C>T, p.Thr1342Ile (NM_014823.3); c.5522C>T, p.Thr1841Ile (NM_213655.5); short protein forms T1342I, T1589I, T1849I, T1841I.
Identifiers: ClinVar variation 1405813 (VCV001405813.9), dbSNP rs1397083515, ClinGen allele CA383331886.